The following is an entry in ClinVar:

NM_030665.4(RAI1):c.458C>G (p.Pro153Arg)

Gene: RAI1 (retinoic acid induced 1; plus strand). Cytogenetic location: 17p11.2.
Variant type: single nucleotide variant.
Coding change: c.458C>G on transcript NM_030665.4 (MANE Select); coding-DNA position 458, C replaced by G.
Protein change: p.Pro153Arg; replaces proline 153 with arginine.
Molecular consequence: missense variant.
Genome position (GRCh38, 1-based): chr17:17,793,406, C>G. VCF-style: chr17-17793406-C-G. GRCh37 (hg19) VCF-style: chr17-17696720-C-G.
Other names: short protein forms P153R.
Identifiers: ClinVar variation 3667446 (VCV003667446.2).
Genomic context (GRCh38, chr17:17,793,406, plus strand): 5'-CACTACCTGCAGGGGTGGCCAAGTATGATGAGAACTTGATGAAAAAGACAGCAGTGCCCC[C>G]CAGCAGGCAGTATGCAGAGCAGGGCGCCCAGGTGCCCTTTCGGACTCACTCCCTGCACGT-3'
Protein context (NP_109590.3, residues 143-163): ENLMKKTAVP[Pro153Arg]SRQYAEQGAQ

ClinVar aggregate classification (germline): Uncertain significance (1 of 4 stars; one submission).

Submission:

Labcorp Genetics (formerly Invitae), Labcorp
Classification: Uncertain significance. Last evaluated: 2024-12-10. Review status: criteria provided, single submitter. Criteria: Invitae Variant Classification Sherloc (09022015). Collection method: clinical testing. Allele origin: germline.
Comment: This sequence change replaces proline, which is neutral and non-polar, with arginine, which is basic and polar, at codon 153 of the RAI1 protein (p.Pro153Arg). This variant is not present in population databases (gnomAD no frequency). This variant has not been reported in the literature in individuals affected with RAI1-related conditions. Invitae Evidence Modeling of protein sequence and biophysical properties (such as structural, functional, and spatial information, amino acid conservation, physicochemical variation, residue mobility, and thermodynamic stability) indicates that this missense variant is not expected to disrupt RAI1 protein function with a negative predictive value of 80%. In summary, the available evidence is currently insufficient to determine the role of this variant in disease. Therefore, it has been classified as a Variant of Uncertain Significance.